The following is an entry in ClinVar:

NM_001004356.3(FGFRL1):c.323T>G (p.Leu108Arg)

Gene: FGFRL1 (fibroblast growth factor receptor like 1; plus strand). Cytogenetic location: 4p16.3.
Variant type: single nucleotide variant.
Coding change: c.323T>G on transcript NM_001004356.3 (MANE Select); coding-DNA position 323, T replaced by G.
Protein change: p.Leu108Arg; replaces leucine 108 with arginine.
Molecular consequence: missense variant.
Genome position (GRCh38, 1-based): chr4:1,022,446, T>G. VCF-style: chr4-1022446-T-G. GRCh37 (hg19) VCF-style: chr4-1016234-T-G.
Other names: c.323T>G, p.Leu108Arg (NM_001004358.1, NM_001370296.1, NM_021923.3); short protein forms L108R.
Identifiers: ClinVar variation 1514869 (VCV001514869.8), dbSNP rs779128594, ClinGen allele CA2802645.

ClinVar aggregate classification (germline): Uncertain significance (1 of 4 stars; one submission).

Allele frequency attached by ClinVar (database versions not stated): gnomAD exomes below 0.00001; ExAC 0.00001.

Submission:

Labcorp Genetics (formerly Invitae), Labcorp
Classification: Uncertain significance. Last evaluated: 2021-04-06. Review status: criteria provided, single submitter. Criteria: Invitae Variant Classification Sherloc (09022015). Collection method: clinical testing. Allele origin: germline.
Comment: In summary, the available evidence is currently insufficient to determine the role of this variant in disease. Therefore, it has been classified as a Variant of Uncertain Significance. Algorithms developed to predict the effect of missense changes on protein structure and function are either unavailable or do not agree on the potential impact of this missense change (SIFT: "Tolerated"; PolyPhen-2: "Possibly Damaging"; Align-GVGD: "Class C0"). This variant has not been reported in the literature in individuals with FGFRL1-related conditions. This variant is present in population databases (rs779128594, ExAC 0.002%). This sequence change replaces leucine with arginine at codon 108 of the FGFRL1 protein (p.Leu108Arg). The leucine residue is weakly conserved and there is a moderate physicochemical difference between leucine and arginine.